The following is an entry in ClinVar:

ClinVar aggregate classification (germline): Uncertain significance. Review status: criteria provided, multiple submitters, no conflicts (2 of 4 stars). 7 submissions from 7 submitters: Uncertain significance (7). Last evaluated 2026-04-22.

Conditions:
Cardiac arrhythmia. Also called: Cardiac rhythm disease; Arrhythmia. Identifiers: MedGen C0003811, MONDO:0007263, HP:0011675.
Cardiovascular phenotype. Identifiers: MedGen CN230736.
Long QT syndrome (LQTS). Identifiers: MedGen C0023976, MeSH D008133, MONDO:0002442. Disease mechanism: loss of function. Inheritance: Various modes of inheritance.
Long QT syndrome 2 (LQT2). Identifiers: Orphanet 101016, Orphanet 768, MedGen C3150943, MONDO:0013367, OMIM 613688.
Short QT syndrome type 1. Identifiers: Orphanet 51083, MedGen C1865020, MONDO:0012312, OMIM 609620.

Allele frequency attached by ClinVar (database versions not stated): gnomAD exomes 0.00002; TOPMed below 0.00001; ExAC 0.00001; gnomAD 0.00001.
gnomAD v4.1: 20 of 1,605,404 alleles (0.0012%); highest among the groups gnomAD compares: East Asian, 0.0023%; no homozygotes.

Submissions (7):

Ambry Genetics
Classification: Uncertain significance for Cardiovascular phenotype. Last evaluated: 2026-04-22. Review status: criteria provided, single submitter. Criteria: Ambry Variant Classification Scheme 2023. Collection method: clinical testing. Allele origin: germline.

All of Us Research Program, National Institutes of Health
Classification: Uncertain significance for Long QT syndrome. Last evaluated: 2024-08-13. Review status: criteria provided, single submitter. Criteria: ACMG Guidelines, 2015. Collection method: clinical testing. Allele origin: germline. Inheritance: Autosomal dominant inheritance. Observed: 6 variant alleles, 6 heterozygotes.
Comment: This missense variant replaces alanine with valine at codon 9 of the KCNH2 protein. Computational prediction tool suggests that this variant may have deleterious impact on protein structure and function (internally defined REVEL score threshold >=0.7, PMID: 27666373). Splice site prediction tools suggest that this variant may not impact RNA splicing. To our knowledge, functional studies have not been performed for this variant. This variant has not been reported in individuals affected with cardiovascular disorders in the literature. This variant has been identified in 5/268000 chromosomes in the general population by the Genome Aggregation Database (gnomAD). The available evidence is insufficient to determine the role of this variant in disease conclusively. Therefore, this variant is classified as a Variant of Uncertain Significance.

This study involves interpretation of variants in research participants for the purpose of population health screening. Participant phenotype was not available at the time of variant classification. Additional details can be found in publication PMID: 35346344, PMCID: PMC8962531

Labcorp Genetics (formerly Invitae), Labcorp
Classification: Uncertain significance for Long QT syndrome. Last evaluated: 2024-06-18. Review status: criteria provided, single submitter. Criteria: Invitae Variant Classification Sherloc (09022015). Collection method: clinical testing. Allele origin: germline.
Comment: This sequence change replaces alanine, which is neutral and non-polar, with valine, which is neutral and non-polar, at codon 9 of the KCNH2 protein (p.Ala9Val). The frequency data for this variant in the population databases is considered unreliable, as metrics indicate poor data quality at this position in the gnomAD database. This variant has not been reported in the literature in individuals affected with KCNH2-related conditions. ClinVar contains an entry for this variant (Variation ID: 200592). An algorithm developed to predict the effect of missense changes on protein structure and function (PolyPhen-2) suggests that this variant is likely to be tolerated. In summary, the available evidence is currently insufficient to determine the role of this variant in disease. Therefore, it has been classified as a Variant of Uncertain Significance.

Color Diagnostics, LLC DBA Color Health
Classification: Uncertain significance for Cardiac arrhythmia. Last evaluated: 2024-05-06. Review status: criteria provided, single submitter. Criteria: ACMG Guidelines, 2015. Collection method: clinical testing. Allele origin: germline.
Comment: This missense variant replaces alanine with valine at codon 9 of the KCNH2 protein. Computational prediction suggests that this variant may have deleterious impact on protein structure and function. To our knowledge, functional studies have not been reported for this variant. This variant has been reported in an individual affected with long QT syndrome (PMID: 32893267). This variant has been identified in 5/268000 chromosomes in the general population by the Genome Aggregation Database (gnomAD). The available evidence is insufficient to determine the role of this variant in disease conclusively. Therefore, this variant is classified as a Variant of Uncertain Significance.

Fulgent Genetics
Classification: Uncertain significance for Short QT syndrome type 1; Long QT syndrome 2. Last evaluated: 2021-09-13. Review status: criteria provided, single submitter. Criteria: ACMG Guidelines, 2015. Collection method: clinical testing. Allele origin: unknown.

GeneDx
Classification: Uncertain significance. Last evaluated: 2019-01-07. Review status: criteria provided, single submitter. Criteria: GeneDx Variant Classification (06012015). Collection method: clinical testing. Allele origin: germline. Affected: yes.
Comment: The Ala9Val variant in the KCNH2 gene has not been reported as a disease-causing mutation or as a benign polymorphism to our knowledge. Ala9Val results in a conservative amino acid substitution of one non-polar amino acid with another at a position that is conserved across species. In silico analysis predicts Ala9Val is probably damaging to the protein structure/function. Mutations in nearby codons (Met1Leu, Asp16Ala) have been reported in association with LQTS, supporting the functional importance of this region of the protein. The NHLBI ESP Exome Variant Server reports Ala9Val was not observed in approximately 6,000 samples from individuals of European and African American backgrounds, indicating it is not a common benign variant in these populations.With the clinical and molecular information available at this time, we cannot definitively determine if Ala9Val is a disease-causing mutation or a rare benign variant.

Stanford Center for Inherited Cardiovascular Disease, Stanford University
Classification: Uncertain significance. Last evaluated: 2016-09-12. Review status: criteria provided, single submitter. Criteria: ACMG Guidelines, 2015. Collection method: provider interpretation. Allele origin: germline.

Literature cited by the submitters: PubMed 32893267 (cited by Color Diagnostics, LLC DBA Color Health).

NM_000238.4(KCNH2):c.26C>T (p.Ala9Val)

Gene: KCNH2 (potassium voltage-gated channel subfamily H member 2; minus strand). Cytogenetic location: 7q36.1.
Variant type: single nucleotide variant.
Coding change: c.26C>T on transcript NM_000238.4 (MANE Select); coding-DNA position 26, C replaced by T.
Protein change: p.Ala9Val; replaces alanine 9 with valine.
Molecular consequence: missense variant.
Genome position (GRCh38, 1-based): chr7:150,977,888, G>A on the plus strand (C>T on the coding strand, the complement: KCNH2 is on the minus strand). VCF-style: chr7-150977888-G-A. GRCh37 (hg19) VCF-style: chr7-150674976-G-A.
Other names: p.A9V:GCG>GTG; c.26C>T, p.Ala9Val (NM_172056.3); short protein forms A9V.
Identifiers: ClinVar variation 200592 (VCV000200592.24), dbSNP rs775317201, ClinGen allele CA007185.